The following is an entry in ClinVar:

NM_000376.3(VDR):c.217C>T (p.Arg73Ter)

Gene: VDR (vitamin D receptor; minus strand). Cytogenetic location: 12q13.11.
Variant type: single nucleotide variant.
Coding change: c.217C>T on transcript NM_000376.3 (MANE Select); coding-DNA position 217, C replaced by T.
Protein change: p.Arg73Ter; replaces arginine 73 with a stop codon.
Molecular consequence: nonsense.
Genome position (GRCh38, 1-based): chr12:47,865,107, G>A on the plus strand (C>T on the coding strand, the complement: VDR is on the minus strand). VCF-style: chr12-47865107-G-A. GRCh37 (hg19) VCF-style: chr12-48258890-G-A.
Other names: c.217C>T, p.Arg73Ter (NM_001017535.2, NM_001364085.2, NM_001374661.1 and 1 more transcripts); c.367C>T, p.Arg123Ter (NM_001017536.2); short protein forms R123*, R73*.
Identifiers: ClinVar variation 1686293 (VCV001686293.13), dbSNP rs980041568, ClinGen allele CA236476911.

ClinVar aggregate classification (germline): Pathogenic. Review status: criteria provided, multiple submitters, no conflicts (2 of 4 stars). 4 submissions from 4 submitters: Pathogenic (4). Last evaluated 2025-04-01.

Conditions:
Vitamin D-dependent rickets type II with alopecia (VDDR2A). Also called: PDDR IIA; PSEUDOVITAMIN D-DEFICIENCY, TYPE IIA; RICKETS, HEREDITARY VITAMIN D-RESISTANT; RICKETS-ALOPECIA SYNDROME; VITAMIN D-DEPENDENT RICKETS, TYPE 2A, WITH OR WITHOUT ALOPECIA; VITAMIN D-RESISTANT RICKETS WITH END-ORGAN UNRESPONSIVENESS TO 1,25-DIHYDROXYCHOLECALCIFEROL. Identifiers: Orphanet 93160, MedGen C0342646, MONDO:0010186, OMIM 277440.

Allele frequency attached by ClinVar (database versions not stated): gnomAD exomes below 0.00001 and 0.00001; TOPMed 0.00003; gnomAD 0.00004.
gnomAD v4.1: 18 of 1,613,834 alleles (0.0011%); highest among the groups gnomAD compares: African/African-American, 0.008%; no homozygotes.

Submissions (4):

CeGaT Center for Human Genetics Tuebingen
Classification: Pathogenic. Last evaluated: 2025-04-01. Review status: criteria provided, single submitter. Criteria: CeGaT Center For Human Genetics Tuebingen Variant Classification Criteria Version 2. Collection method: clinical testing. Allele origin: germline. Affected: yes. Observed: 1 variant allele.
Comment: VDR: PVS1, PM2, PM3

Fulgent Genetics
Classification: Pathogenic for Vitamin D-dependent rickets type II with alopecia. Last evaluated: 2024-06-11. Review status: criteria provided, single submitter. Criteria: ACMG Guidelines, 2015. Collection method: clinical testing. Allele origin: germline.

Labcorp Genetics (formerly Invitae), Labcorp
Classification: Pathogenic. Last evaluated: 2023-10-27. Review status: criteria provided, single submitter. Criteria: Invitae Variant Classification Sherloc (09022015). Collection method: clinical testing. Allele origin: germline.
Comment: This sequence change creates a premature translational stop signal (p.Arg73*) in the VDR gene. It is expected to result in an absent or disrupted protein product. Loss-of-function variants in VDR are known to be pathogenic (PMID: 10204116, 24246681). This variant is present in population databases (no rsID available, gnomAD 0.004%). This premature translational stop signal has been observed in individual(s) with clinical features of vitamin D-dependent rickets (PMID: 19169476, 31557081). ClinVar contains an entry for this variant (Variation ID: 1686293). For these reasons, this variant has been classified as Pathogenic.

Mendelics
Classification: Pathogenic for Vitamin D-dependent rickets type II with alopecia. Last evaluated: 2022-05-04. Review status: criteria provided, single submitter. Criteria: Mendelics Assertion Criteria 2019. Collection method: clinical testing. Allele origin: germline.

Literature cited by the submitters: PubMed 10204116 (cited by Labcorp Genetics (formerly Invitae), Labcorp); PubMed 24246681 (cited by Labcorp Genetics (formerly Invitae), Labcorp); PubMed 19169476 (cited by Labcorp Genetics (formerly Invitae), Labcorp); PubMed 31557081 (cited by Labcorp Genetics (formerly Invitae), Labcorp).